The following is an entry in ClinVar:

ClinVar aggregate classification (germline): Uncertain significance. Review status: criteria provided, multiple submitters, no conflicts (2 of 4 stars). 2 submissions from 2 submitters: Uncertain significance (2). Last evaluated 2022-04-26.

Conditions:
Aminoacylase 1 deficiency. Also called: Neurological conditions associated with aminoacylase 1 deficiency. Identifiers: Orphanet 137754, MedGen C1835922, MONDO:0012368, OMIM 609924.

Allele frequency attached by ClinVar (database versions not stated): gnomAD 0.00007; TOPMed 0.00013; gnomAD exomes 0.00014 and 0.00016; 1000 Genomes Project 30x 0.00016; ExAC 0.00019; 1000 Genomes Project 0.00020.

Submissions (2):

Centre of Medical Genetics, University Hospital Muenster
Classification: Uncertain significance for Aminoacylase 1 deficiency. Last evaluated: 2022-04-26. Review status: criteria provided, single submitter. Criteria: ACMG Guidelines, 2015. Collection method: clinical testing. Allele origin: unknown. Affected: yes. Observed: 1 variant allele, 1 heterozygote.
Comment: ACMG categories: PM2,PP3

Fulgent Genetics
Classification: Uncertain significance for Aminoacylase 1 deficiency. Last evaluated: 2022-02-14. Review status: criteria provided, single submitter. Criteria: ACMG Guidelines, 2015. Collection method: clinical testing. Allele origin: unknown.

NM_000666.3(ACY1):c.325A>G (p.Arg109Gly)

Genes: ACY1 (aminoacylase 1; plus strand), ABHD14A-ACY1 (ABHD14A-ACY1 readthrough; plus strand). Cytogenetic location: 3p21.2.
Variant type: single nucleotide variant.
Coding change: c.325A>G on transcript NM_000666.3 (MANE Select); coding-DNA position 325, A replaced by G.
Protein change: p.Arg109Gly; replaces arginine 109 with glycine.
Molecular consequence: missense variant. On other transcripts: intron variant (1).
Genome position (GRCh38, 1-based): chr3:51,985,912, A>G. VCF-style: chr3-51985912-A-G. GRCh37 (hg19) VCF-style: chr3-52019928-A-G.
Other names: c.595A>G, p.Arg199Gly (NM_001316331.2); c.325A>G, p.Arg109Gly (NM_001198895.2, NM_001198897.2); c.220A>G, p.Arg74Gly (NM_001198898.2); c.310+15A>G (NM_001198896.2); short protein forms R109G, R199G, R74G.
Identifiers: ClinVar variation 1691557 (VCV001691557.4), dbSNP rs139537461, ClinGen allele CA2428425.